The following is an entry in ClinVar:

NM_152594.3(SPRED1):c.*3521A>G

Gene: SPRED1 (sprouty related EVH1 domain containing 1; plus strand). Cytogenetic location: 15q14.
Variant type: single nucleotide variant.
Coding change: c.*3521A>G on transcript NM_152594.3 (MANE Select); 3521 bases downstream of the stop codon, A replaced by G.
Molecular consequence: 3 prime UTR variant.
Genome position (GRCh38, 1-based): chr15:38,355,185, A>G. VCF-style: chr15-38355185-A-G. GRCh37 (hg19) VCF-style: chr15-38647386-A-G.
Identifiers: ClinVar variation 315767 (VCV000315767.6), dbSNP rs11634702, ClinGen allele CA10646902.

ClinVar aggregate classification (germline): Benign. Review status: criteria provided, multiple submitters, no conflicts (2 of 4 stars). 2 submissions from 2 submitters: Benign (2). Last evaluated 2018-01-12.

Conditions:
Legius syndrome. Identifiers: Orphanet 137605, MedGen C1969623, MONDO:0012669, OMIM 611431. Disease mechanism: loss of function.

Allele frequency attached by ClinVar (database versions not stated): gnomAD exomes 0.09740; gnomAD 0.11111 and 0.12201; TOPMed 0.11924; 1000 Genomes Project 30x 0.20659; 1000 Genomes Project 0.21605.
gnomAD v4.1: 18,459 of 152,194 alleles (12%); highest among the groups gnomAD compares: East Asian, 55%; 1,930 homozygotes.

Submissions (2):

Illumina Laboratory Services, Illumina
Classification: Benign for Legius syndrome. Last evaluated: 2018-01-12. Review status: criteria provided, single submitter. Criteria: ICSL Variant Classification Criteria 13 December 2019. Collection method: clinical testing. Allele origin: germline.
Comment: This variant was observed in the ICSL laboratory as part of a predisposition screen in an ostensibly healthy population. It had not been previously curated by ICSL or reported in the Human Gene Mutation Database (HGMD: prior to June 1st, 2018), and was therefore a candidate for classification through an automated scoring system. Utilizing variant allele frequency, disease prevalence and penetrance estimates, and inheritance mode, an automated score was calculated to assess if this variant is too frequent to cause the disease. Based on the score and internal cut-off values, a variant classified as benign is not then subjected to further curation. The score for this variant resulted in a classification of benign for this disease.

Breakthrough Genomics
Classification: Benign. Review status: criteria provided, single submitter. Criteria: ACMG Guidelines, 2015. Collection method: not provided. Allele origin: germline. Inheritance: Autosomal dominant inheritance. Affected: yes.